The following is an entry in ClinVar:

NM_001165963.4(SCN1A):c.4901T>G (p.Leu1634Arg)

Genes: SCN1A (sodium voltage-gated channel alpha subunit 1; minus strand), LOC102724058 (uncharacterized LOC102724058; plus strand). Cytogenetic location: 2q24.3.
Variant type: single nucleotide variant.
Coding change: c.4901T>G on transcript NM_001165963.4 (MANE Select); coding-DNA position 4901, T replaced by G.
Protein change: p.Leu1634Arg; replaces leucine 1634 with arginine.
Molecular consequence: missense variant. On other transcripts: non-coding transcript variant (1).
Genome position (GRCh38, 1-based): chr2:165,992,374, A>C on the plus strand (T>G on the coding strand, the complement: SCN1A is on the minus strand). VCF-style: chr2-165992374-A-C. GRCh37 (hg19) VCF-style: chr2-166848884-A-C.
Other names: c.4868T>G, p.Leu1623Arg (NM_001353951.2, NM_001353952.2, NM_006920.6 and 2 more transcripts); c.4865T>G, p.Leu1622Arg (NM_001353954.2, NM_001353955.2); c.4817T>G, p.Leu1606Arg (NM_001353957.2, NM_001353958.2, NM_001165964.3); c.4814T>G, p.Leu1605Arg (NM_001353960.2); c.2459T>G, p.Leu820Arg (NM_001353961.2); c.4901T>G, p.Leu1634Arg (NM_001202435.3, NM_001353948.2); short protein forms L1605R, L1623R, L1606R, L1622R, L1634R, L820R.
Identifiers: ClinVar variation 2831958 (VCV002831958.3), dbSNP rs2468341040, ClinGen allele CA349070395.
Genomic context (GRCh38, chr2:165,992,374, plus strand): 5'-TTTGCTCCTTTGATCAGACGTAGGATTCGGCCAATCCTAGCAAGACGGATCACTCGGAAC[A>C]GGGTAGGGGACACGAAATACTTTTCTATCAGCTCGGCAAGAAACATACCTATGAATAAAC-3'
Protein context (NP_001159435.1, residues 1624-1644): LIEKYFVSPT[Leu1634Arg]FRVIRLARIG

ClinVar aggregate classification (germline): Uncertain significance (1 of 4 stars; one submission).

Conditions:
Early-infantile DEE. Also called: Early infantile epileptic encephalopathy; Early infantile epileptic encephalopathy with suppression bursts; Ohtahara syndrome. Identifiers: Orphanet 1934, MedGen C0393706, MONDO:0800491.

Submission:

Labcorp Genetics (formerly Invitae), Labcorp
Classification: Uncertain significance for Early-infantile DEE. Last evaluated: 2023-02-15. Review status: criteria provided, single submitter. Criteria: Invitae Variant Classification Sherloc (09022015). Collection method: clinical testing. Allele origin: germline.
Comment: In summary, the available evidence is currently insufficient to determine the role of this variant in disease. Therefore, it has been classified as a Variant of Uncertain Significance. Advanced modeling of protein sequence and biophysical properties (such as structural, functional, and spatial information, amino acid conservation, physicochemical variation, residue mobility, and thermodynamic stability) performed at Invitae indicates that this missense variant is expected to disrupt SCN1A protein function. This variant has not been reported in the literature in individuals affected with SCN1A-related conditions. This variant is not present in population databases (gnomAD no frequency). This sequence change replaces leucine, which is neutral and non-polar, with arginine, which is basic and polar, at codon 1634 of the SCN1A protein (p.Leu1634Arg).